The following is an entry in ClinVar:

ClinVar aggregate classification (germline): Pathogenic (1 of 4 stars; one submission).

gnomAD v4.1: 1 of 1,612,460 alleles (0.000062%); highest among the groups gnomAD compares: Non-Finnish European, 0.000085%; no homozygotes.

Submission:

Labcorp Genetics (formerly Invitae), Labcorp
Classification: Pathogenic. Last evaluated: 2025-07-09. Review status: criteria provided, single submitter. Criteria: Invitae Variant Classification Sherloc (09022015). Collection method: clinical testing. Allele origin: germline.
Comment: This sequence change creates a premature translational stop signal (p.Gln490*) in the MYSM1 gene. It is expected to result in an absent or disrupted protein product. Loss-of-function variants in MYSM1 are known to be pathogenic (PMID: 24288411, 28115216). This variant is not present in population databases (gnomAD no frequency). This variant has not been reported in the literature in individuals affected with MYSM1-related conditions. Algorithms developed to predict the effect of sequence changes on RNA splicing suggest that this variant may disrupt the consensus splice site. For these reasons, this variant has been classified as Pathogenic.

Literature cited by the submitters: PubMed 24288411; PubMed 28115216.

NM_001085487.3(MYSM1):c.1468C>T (p.Gln490Ter)

Gene: MYSM1 (Myb like, SWIRM and MPN domains 1; minus strand). Cytogenetic location: 1p32.1.
Variant type: single nucleotide variant.
Coding change: c.1468C>T on transcript NM_001085487.3 (MANE Select); coding-DNA position 1468, C replaced by T.
Protein change: p.Gln490Ter; replaces glutamine 490 with a stop codon.
Molecular consequence: nonsense.
Genome position (GRCh38, 1-based): chr1:58,675,503, G>A on the plus strand (C>T on the coding strand, the complement: MYSM1 is on the minus strand). VCF-style: chr1-58675503-G-A. GRCh37 (hg19) VCF-style: chr1-59141175-G-A.
Other names: short protein forms Q490*.
Identifiers: ClinVar variation 4715013 (VCV004715013.1).
Genomic context (GRCh38, chr1:58,675,503, plus strand): 5'-TGTGGAGAGATCACTGAGAGAGATGACTGCTTACCATAGACTGCAGACGCTGGGCAAGTT[G>A]GTATGCTTCTACTGCATCTTTTCTGTCTCTGATTCGTACTTTGTCAACTGTTTGTGGCCT-3'